The following is an entry in ClinVar:

ClinVar aggregate classification (germline): Uncertain significance (1 of 4 stars; one submission).

Allele frequency attached by ClinVar (database versions not stated): gnomAD exomes below 0.00001.
gnomAD v4.1: 1 of 1,613,988 alleles (0.000062%); highest among the groups gnomAD compares: Non-Finnish European, 0.000085%; no homozygotes.

Submission:

Ambry Genetics
Classification: Uncertain significance. Last evaluated: 2023-06-06. Review status: criteria provided, single submitter. Criteria: Ambry Variant Classification Scheme 2023. Collection method: clinical testing. Allele origin: germline.
Comment: The c.840-2A>C intronic variant results from an A to C substitution two nucleotides upstream from coding exon 7 in the RINT1 gene. This nucleotide position is highly conserved in available vertebrate species. In silico splice site analysis predicts that this alteration will weaken the native splice acceptor site and may result in the creation or strengthening of a novel splice acceptor site. However, the evidence for this gene-disease relationship is limited; therefore, the clinical significance of this alteration is unclear.

NM_021930.6(RINT1):c.840-2A>C

Gene: RINT1 (RAD50 interactor 1; plus strand). Cytogenetic location: 7q22.3.
Variant type: single nucleotide variant.
Coding change: c.840-2A>C on transcript NM_021930.6 (MANE Select); the canonical splice acceptor site of the intron before coding-DNA position 840, A replaced by C.
Molecular consequence: splice acceptor variant. On other transcripts: intron variant (2).
Genome position (GRCh38, 1-based): chr7:105,548,552, A>C. VCF-style: chr7-105548552-A-C. GRCh37 (hg19) VCF-style: chr7-105188999-A-C.
Other names: c.-180-2A>C (NM_001346600.2); c.-83-4A>C (NM_001346601.2); c.-27-1503A>C (NM_001346603.2); c.606-2A>C (NM_001346599.2).
Identifiers: ClinVar variation 2563356 (VCV002563356.2), dbSNP rs2485127379, ClinGen allele CA368807793.
Genomic context (GRCh38, chr7:105,548,552, plus strand): 5'-TACATATGTGTGTGTATATTAGGTATGCTTTTGATTCTTTTTCCTTGACTTGATTATGTC[A>C]GAGATGAATTACTTACTGAGCCAAAGCAACTCCCAGAAAAATACTCTCTTCCTGCCTCCC-3'